The following is an entry in ClinVar:

ClinVar aggregate classification (germline): Uncertain significance (1 of 4 stars; one submission).

Conditions:
Primary ciliary dyskinesia 6. Also called: Primary Ciliary Dyskinesia 6: TXNDC3-Related Primary Ciliary Dyskinesia. Identifiers: Orphanet 244, MedGen C1970506, MONDO:0012571, OMIM 610852.

Allele frequency attached by ClinVar (database versions not stated): TOPMed below 0.00001; gnomAD exomes 0.00002; ExAC 0.00008.
gnomAD v4.1: 28 of 1,613,100 alleles (0.0017%); highest among the groups gnomAD compares: East Asian, 0.06%; no homozygotes.

Submission:

Labcorp Genetics (formerly Invitae), Labcorp
Classification: Uncertain significance for Primary ciliary dyskinesia 6. Last evaluated: 2023-12-06. Review status: criteria provided, single submitter. Criteria: Invitae Variant Classification Sherloc (09022015). Collection method: clinical testing. Allele origin: germline.
Comment: This sequence change replaces asparagine, which is neutral and polar, with serine, which is neutral and polar, at codon 295 of the NME8 protein (p.Asn295Ser). This variant is present in population databases (rs754132765, gnomAD 0.06%). This variant has not been reported in the literature in individuals affected with NME8-related conditions. Advanced modeling of protein sequence and biophysical properties (such as structural, functional, and spatial information, amino acid conservation, physicochemical variation, residue mobility, and thermodynamic stability) performed at Invitae indicates that this missense variant is not expected to disrupt NME8 protein function with a negative predictive value of 80%. In summary, the available evidence is currently insufficient to determine the role of this variant in disease. Therefore, it has been classified as a Variant of Uncertain Significance.

NM_016616.5(NME8):c.884A>G (p.Asn295Ser)

Gene: NME8 (NME/NM23 family member 8; plus strand). Cytogenetic location: 7p14.1.
Variant type: single nucleotide variant.
Coding change: c.884A>G on transcript NM_016616.5 (MANE Select); coding-DNA position 884, A replaced by G.
Protein change: p.Asn295Ser; replaces asparagine 295 with serine.
Molecular consequence: missense variant.
Genome position (GRCh38, 1-based): chr7:37,876,897, A>G. VCF-style: chr7-37876897-A-G. GRCh37 (hg19) VCF-style: chr7-37916499-A-G.
Other names: short protein forms N295S.
Identifiers: ClinVar variation 2900061 (VCV002900061.3), dbSNP rs754132765, ClinGen allele CA4222360.